The following is an entry in ClinVar:

ClinVar aggregate classification (germline): Uncertain significance. Review status: criteria provided, multiple submitters, no conflicts (2 of 4 stars). 4 submissions from 4 submitters: Uncertain significance (4). Last evaluated 2026-09-10.

Conditions:
KIT-related disorder. Also called: KIT-related condition.
Mastocytosis. Also called: Mast Cell Disease. Identifiers: Orphanet 98292, MedGen C0024899, MONDO:0007950, HP:0100495.
Gastrointestinal stromal tumor. Also called: Gastrointestinal stromal tumor, somatic; Gastrointestinal stroma tumor. Identifiers: Orphanet 44890, MedGen C0238198, MeSH D046152, MONDO:0011719, OMIM 606764, HP:0100723.
Piebaldism. Also called: Piebald skin depigmentation. Identifiers: Orphanet 2884, MedGen C0080024, MONDO:0008244, OMIM 172800, HP:0007544.
Hereditary cancer-predisposing syndrome. Also called: Tumor predisposition; Hereditary neoplastic syndrome; Neoplastic Syndromes, Hereditary; Hereditary Cancer Syndrome. Identifiers: Orphanet 140162, MedGen C0027672, MeSH D009386, MONDO:0015356.

Allele frequency attached by ClinVar (database versions not stated): gnomAD exomes below 0.00001; ExAC 0.00001; gnomAD 0.00004.
gnomAD v4.1: 10 of 1,613,536 alleles (0.00062%); highest among the groups gnomAD compares: Admixed American, 0.01%; no homozygotes.

Submissions (4):

PreventionGenetics, part of Exact Sciences
Classification: Uncertain significance for KIT-related condition. Last evaluated: 2026-09-10. Review status: criteria provided, single submitter. Criteria: ACMG Guidelines, 2015. Collection method: clinical testing. Allele origin: germline.
Comment: The KIT c.2293G>T variant is predicted to result in the amino acid substitution p.Asp765Tyr. To our knowledge, this variant has not been reported in the literature. This variant is reported in 1 allele out of 251380 alleles in gnomAD and is interpreted as uncertain in ClinVar (Variation ID: 458915). At this time, the clinical significance of this variant is uncertain due to the absence of conclusive functional and genetic evidence.

Labcorp Genetics (formerly Invitae), Labcorp
Classification: Uncertain significance for Gastrointestinal stromal tumor. Last evaluated: 2026-01-26. Review status: criteria provided, single submitter. Criteria: Invitae Variant Classification Sherloc (09022015). Collection method: clinical testing. Allele origin: germline.
Comment: This sequence change replaces aspartic acid, which is acidic and polar, with tyrosine, which is neutral and polar, at codon 765 of the KIT protein (p.Asp765Tyr). This variant is present in population databases (rs760112920, gnomAD no frequency). This variant has not been reported in the literature in individuals affected with KIT-related conditions. ClinVar contains an entry for this variant (Variation ID: 458915). An algorithm developed to predict the effect of missense changes on protein structure and function (PolyPhen-2) suggests that this variant is likely to be disruptive. In summary, the available evidence is currently insufficient to determine the role of this variant in disease. Therefore, it has been classified as a Variant of Uncertain Significance.

Ambry Genetics
Classification: Uncertain significance for Hereditary cancer-predisposing syndrome. Last evaluated: 2024-12-04. Review status: criteria provided, single submitter. Criteria: Ambry Variant Classification Scheme 2023. Collection method: clinical testing. Allele origin: germline.
Comment: The p.D765Y variant (also known as c.2293G>T), located in coding exon 16 of the KIT gene, results from a G to T substitution at nucleotide position 2293. The aspartic acid at codon 765 is replaced by tyrosine, an amino acid with highly dissimilar properties. This amino acid position is highly conserved in available vertebrate species. In addition, this alteration is predicted to be deleterious by in silico analysis. Based on the available evidence, the clinical significance of this variant remains unclear.

Baylor Genetics
Classification: Uncertain significance for Gastrointestinal stromal tumor. Last evaluated: 2024-03-06. Review status: criteria provided, single submitter. Criteria: ACMG Guidelines, 2015. Collection method: clinical testing. Allele origin: unknown.

NM_000222.3(KIT):c.2293G>T (p.Asp765Tyr)

Gene: KIT (KIT proto-oncogene, receptor tyrosine kinase; plus strand). Cytogenetic location: 4q12.
Variant type: single nucleotide variant.
Coding change: c.2293G>T on transcript NM_000222.3 (MANE Select); coding-DNA position 2293, G replaced by T.
Protein change: p.Asp765Tyr; replaces aspartic acid 765 with tyrosine.
Molecular consequence: missense variant.
Genome position (GRCh38, 1-based): chr4:54,731,930, G>T. VCF-style: chr4-54731930-G-T. GRCh37 (hg19) VCF-style: chr4-55598096-G-T.
Other names: c.2281G>T, p.Asp761Tyr (NM_001093772.2, NM_001385292.1); c.2296G>T, p.Asp766Tyr (NM_001385284.1); c.2290G>T, p.Asp764Tyr (NM_001385285.1); c.2278G>T, p.Asp760Tyr (NM_001385286.1); c.2284G>T, p.Asp762Tyr (NM_001385288.1); c.2293G>T, p.Asp765Tyr (NM_001385290.1); short protein forms D765Y, D761Y, D760Y, D762Y, D764Y, D766Y.
Identifiers: ClinVar variation 458915 (VCV000458915.16), dbSNP rs760112920, ClinGen allele CA2923717.